The following is an entry in ClinVar:

NM_000207.3(INS):c.278A>G (p.Glu93Gly)

Genes: INS (insulin; minus strand), INS-IGF2 (INS-IGF2 readthrough; minus strand). Cytogenetic location: 11p15.5.
Variant type: single nucleotide variant.
Coding change: c.278A>G on transcript NM_000207.3 (MANE Select); coding-DNA position 278, A replaced by G.
Protein change: p.Glu93Gly; replaces glutamic acid 93 with glycine.
Molecular consequence: missense variant. On other transcripts: intron variant (1).
Genome position (GRCh38, 1-based): chr11:2,159,907, T>C on the plus strand (A>G on the coding strand, the complement: INS is on the minus strand). VCF-style: chr11-2159907-T-C. GRCh37 (hg19) VCF-style: chr11-2181137-T-C.
Other names: c.278A>G, p.Glu93Gly (NM_001185097.2, NM_001185098.2, NM_001291897.2); c.187+878A>G (NM_001042376.3); short protein forms E93G.
Identifiers: ClinVar variation 393455 (VCV000393455.2), dbSNP rs1057524907, ClinGen allele CA16609271.
Genomic context (GRCh38, chr11:2,159,907, plus strand): 5'-TGCGTCTAGTTGCAGTAGTTCTCCAGCTGGTAGAGGGAGCAGATGCTGGTACAGCATTGT[T>C]CCACAATGCCACGCTTCTGCAGGGACCCCTCCAGGGCCAAGGGCTGCAGGCTGCCTGCAC-3'
Protein context (NP_000198.1, residues 83-103): EGSLQKRGIV[Glu93Gly]QCCTSICSLY

ClinVar aggregate classification (germline): Conflicting classifications of pathogenicity. Review status: criteria provided, conflicting classifications (1 of 4 stars). 2 submissions from 2 submitters: Likely pathogenic (1); Uncertain risk allele (1). Last evaluated 2016-03-18.

Conditions:
Monogenic diabetes. Identifiers: Orphanet 183625, MedGen C3888631, MONDO:0015967.
Maturity-onset diabetes of the young type 10. Identifiers: Orphanet 552, MedGen C3150617, MONDO:0013240, OMIM 613370.

Submissions (2):

Translational Genomics Laboratory, University of Maryland School of Medicine
Classification: Likely pathogenic for Monogenic diabetes. Last evaluated: 2016-03-18. Review status: criteria provided, single submitter. Criteria: ACMG Guidelines, 2015. Collection method: clinical testing. Allele origin: germline. Affected: yes. Observed: 1 variant allele, 1 heterozygote.
Comment: The c.278A>G variant in codon 93 (exon 3) of the insulin gene, INS, results in the substitution of Glutamic acid to Glycine. Missense variants in the INS gene are a common cause of permanent neonatal diabetes and a rare cause of a subtype of mature onset diabetes of the young (MODY) called MODY10 (17855560; 18192540; 18162506; 20226046; 25542748). The c.278A>G variant was not observed in the NHLBI Exome Sequencing Project, 1000 Genomes Project, or Exome Aggregation Consortium databases. Multiple lines of computational evidence (SIFT, Polyphen, MutationTaster, FATHMM, SVM, LR, CADD, GERP) predict this variant is probably damaging to the protein structure, function, or protein-protein interaction. In particular, the c.278A>G variant is in a highly-conserved residue located within the Î±-chain of the protein, and may be important for proper folding of the proinsulin molecule (18165206, 25542748). Additionally, there is little benign variation in this region among individuals in population databases and within the literature. ACMG Criteria = PM1, PM2, PP2, PP3

Clinical Genomics, Uppaluri K&H Personalized Medicine Clinic
Classification: Uncertain risk allele for Maturity-onset diabetes of the young type 10. Review status: criteria provided, single submitter. Criteria: K &amp; H Uppaluri Personalized Medicine Clinic Variant Classification &amp; Assertion Criteria_Updated V.1. Collection method: research. Allele origin: unknown. Inheritance: Autosomal dominant inheritance.
Comment: Potent mutations in the INS gene can cause early onset diabetes mellitus which is insulin dependent. May have poor response to sulfonylureas, as this mutation can cause beta cell destruction. However, no sufficient evidence is found to ascertain the role of this particular variant rs1057524907, yet.

Literature cited by the submitters: PubMed 17855560 (cited by Translational Genomics Laboratory, University of Maryland School of Medicine); PubMed 18192540 (cited by Translational Genomics Laboratory, University of Maryland School of Medicine); PubMed 18162506 (cited by Translational Genomics Laboratory, University of Maryland School of Medicine); PubMed 20226046 (cited by Translational Genomics Laboratory, University of Maryland School of Medicine); PubMed 25542748 (cited by Translational Genomics Laboratory, University of Maryland School of Medicine and Clinical Genomics, Uppaluri K&H Personalized Medicine Clinic); PubMed 11921414 (cited by Clinical Genomics, Uppaluri K&H Personalized Medicine Clinic); PubMed 26101329 (cited by Clinical Genomics, Uppaluri K&H Personalized Medicine Clinic); PubMed 18171712 (cited by Clinical Genomics, Uppaluri K&H Personalized Medicine Clinic).